The following is an entry in ClinVar:

ClinVar aggregate classification (germline): Uncertain significance (1 of 4 stars; one submission).

Conditions:
Early-onset Parkinson disease 20. Also called: PARKINSON DISEASE 20, AUTOSOMAL RECESSIVE EARLY-ONSET. Identifiers: Orphanet 391411, MedGen C3809824, MONDO:0014233, OMIM 615530.
Developmental and epileptic encephalopathy, 53. Also called: Epileptic encephalopathy, early infantile, 53. Identifiers: MedGen C4479313, MONDO:0033362, OMIM 617389.

Allele frequency attached by ClinVar (database versions not stated): gnomAD exomes 0.00001 and below 0.00001; TOPMed 0.00001.
gnomAD v4.1: 8 of 1,611,876 alleles (0.0005%); highest among the groups gnomAD compares: African/African-American, 0.004%; no homozygotes.

Submission:

Labcorp Genetics (formerly Invitae), Labcorp
Classification: Uncertain significance for Developmental and epileptic encephalopathy, 53; Early-onset Parkinson disease 20. Last evaluated: 2017-09-18. Review status: criteria provided, single submitter. Criteria: Invitae Variant Classification Sherloc (09022015). Collection method: clinical testing. Allele origin: germline.
Comment: In summary, the available evidence is currently insufficient to determine the role of this variant in disease. Therefore, it has been classified as a Variant of Uncertain Significance. Algorithms developed to predict the effect of missense changes on protein structure and function do not agree on the potential impact of this missense change (SIFT: "Deleterious"; PolyPhen-2: "Probably Damaging"; Align-GVGD: "Class C0"). This variant has not been reported in the literature in individuals with SYNJ1-related disease. This variant is not present in population databases (ExAC no frequency). This sequence change replaces leucine with serine at codon 528 of the SYNJ1 protein (p.Leu528Ser). The leucine residue is highly conserved and there is a large physicochemical difference between leucine and serine.

NM_203446.3(SYNJ1):c.1466T>C (p.Leu489Ser)

Gene: SYNJ1 (synaptojanin 1; minus strand). Cytogenetic location: 21q22.11.
Variant type: single nucleotide variant.
Coding change: c.1466T>C on transcript NM_203446.3 (MANE Select); coding-DNA position 1466, T replaced by C.
Protein change: p.Leu489Ser; replaces leucine 489 with serine.
Molecular consequence: missense variant.
Genome position (GRCh38, 1-based): chr21:32,678,689, A>G on the plus strand (T>C on the coding strand, the complement: SYNJ1 is on the minus strand). VCF-style: chr21-32678689-A-G. GRCh37 (hg19) VCF-style: chr21-34050999-A-G.
Other names: c.1466T>C, p.Leu489Ser (NM_001160302.2); c.1475T>C, p.Leu492Ser (NM_001160306.2); c.1583T>C, p.Leu528Ser (NM_003895.4); short protein forms L528S, L489S, L492S.
Identifiers: ClinVar variation 544564 (VCV000544564.7), dbSNP rs1238065971, ClinGen allele CA410089203.
Genomic context (GRCh38, chr21:32,678,689, plus strand): 5'-TATAAAGTGCACATACCACGCAAACTTCCAGTAGTTAAAAGTGCTCGAGCTTTGTCAGCT[A>G]AATCACTATTCAGAGTATTTCCCAGTAGCAAAACATCAATGGCCTCTTGCTTGGAGCTGT-3'
Protein context (NP_982271.3, residues 479-499): LLLGNTLNSD[Leu489Ser]ADKARALLTT